The following is an entry in ClinVar:

ClinVar aggregate classification (germline): Uncertain significance (1 of 4 stars; one submission).

gnomAD v4.1: 77 of 1,613,646 alleles (0.0048%); highest among the groups gnomAD compares: Non-Finnish European, 0.0064%; no homozygotes.

Submission:

Labcorp Genetics (formerly Invitae), Labcorp
Classification: Uncertain significance. Last evaluated: 2025-04-21. Review status: criteria provided, single submitter. Criteria: Invitae Variant Classification Sherloc (09022015). Collection method: clinical testing. Allele origin: germline.
Comment: This sequence change replaces serine, which is neutral and polar, with leucine, which is neutral and non-polar, at codon 800 of the MYO6 protein (p.Ser800Leu). This variant is present in population databases (no rsID available, gnomAD 0.007%). This variant has not been reported in the literature in individuals affected with MYO6-related conditions. Invitae Evidence Modeling of protein sequence and biophysical properties (such as structural, functional, and spatial information, amino acid conservation, physicochemical variation, residue mobility, and thermodynamic stability) indicates that this missense variant is not expected to disrupt MYO6 protein function with a negative predictive value of 80%. In summary, the available evidence is currently insufficient to determine the role of this variant in disease. Therefore, it has been classified as a Variant of Uncertain Significance.

NM_004999.4(MYO6):c.2399C>T (p.Ser800Leu)

Gene: MYO6 (myosin VI; plus strand). Cytogenetic location: 6q14.1.
Variant type: single nucleotide variant.
Coding change: c.2399C>T on transcript NM_004999.4 (MANE Select); coding-DNA position 2399, C replaced by T.
Protein change: p.Ser800Leu; replaces serine 800 with leucine.
Molecular consequence: missense variant. On other transcripts: non-coding transcript variant (1).
Genome position (GRCh38, 1-based): chr6:75,881,801, C>T. VCF-style: chr6-75881801-C-T. GRCh37 (hg19) VCF-style: chr6-76591518-C-T.
Other names: c.2399C>T, p.Ser800Leu (NM_001300899.2, NM_001368136.1, NM_001368137.1 and 2 more transcripts); c.2384C>T, p.Ser795Leu (NM_001368138.1); short protein forms S795L, S800L.
Identifiers: ClinVar variation 4797195 (VCV004797195.1).